The following is an entry in ClinVar:

ClinVar aggregate classification (germline): Likely benign (1 of 4 stars; one submission).

Allele frequency attached by ClinVar (database versions not stated): 1000 Genomes Project 30x 0.01374; 1000 Genomes Project 0.01378; TOPMed 0.02606.
gnomAD v4.1: 3,829 of 148,774 alleles (2.6%); highest among the groups gnomAD compares: Middle Eastern, 3.9%; 95 homozygotes.

Submissions (7):

GeneDx
Classification: Likely benign. Last evaluated: 2018-06-15. Review status: criteria provided, single submitter. Criteria: GeneDx Variant Classification (06012015). Collection method: clinical testing. Allele origin: germline. Affected: yes.
Comment: This variant is considered likely benign or benign based on one or more of the following criteria: it is a conservative change, it occurs at a poorly conserved position in the protein, it is predicted to be benign by multiple in silico algorithms, and/or has population frequency not consistent with disease.

Dr. Peter K. Rogan Lab, Western University
No classification provided (evidence only). Condition: Lung cancer. Review status: no classification provided. Collection method: in vitro. Allele origin: not applicable. Functional consequence: retained intron. Not counted in ClinVar's aggregate classification.

Dr. Peter K. Rogan Lab, Western University
No classification provided (evidence only). Condition: Uterine corpus endometrial carcinoma. Review status: no classification provided. Collection method: in vitro. Allele origin: not applicable. Functional consequence: retained intron. Not counted in ClinVar's aggregate classification.

Dr. Peter K. Rogan Lab, Western University
No classification provided (evidence only). Condition: Uterine corpus endometrial carcinoma. Review status: no classification provided. Collection method: in vitro. Allele origin: not applicable. Functional consequence: retained intron. Not counted in ClinVar's aggregate classification.

Dr. Peter K. Rogan Lab, Western University
No classification provided (evidence only). Condition: Gastric cancer. Review status: no classification provided. Collection method: in vitro. Allele origin: not applicable. Functional consequence: retained intron. Not counted in ClinVar's aggregate classification.

Dr. Peter K. Rogan Lab, Western University
No classification provided (evidence only). Condition: Malignant tumor of esophagus. Review status: no classification provided. Collection method: in vitro. Allele origin: not applicable. Functional consequence: retained intron. Not counted in ClinVar's aggregate classification.

Dr. Peter K. Rogan Lab, Western University
No classification provided (evidence only). Condition: Malignant tumor of esophagus. Review status: no classification provided. Collection method: in vitro. Allele origin: not applicable. Functional consequence: retained intron. Not counted in ClinVar's aggregate classification.

NM_032578.4(MYPN):c.2703+172C>A

Gene: MYPN (myopalladin; plus strand). Cytogenetic location: 10q21.3.
Variant type: single nucleotide variant.
Coding change: c.2703+172C>A on transcript NM_032578.4 (MANE Select); 172 bases into the intron after coding-DNA position 2703, C replaced by A.
Molecular consequence: intron variant.
Genome position (GRCh38, 1-based): chr10:68,175,633, C>A. VCF-style: chr10-68175633-C-A. GRCh37 (hg19) VCF-style: chr10-69935390-C-A.
Other names: NC_000010.10:g.69935390C>A; c.2703+172C>A (NM_001256267.2); c.1821+172C>A (NM_001256268.2).
Identifiers: ClinVar variation 675307 (VCV000675307.2), dbSNP rs17458319, ClinGen allele CA15652639.